The following is an entry in ClinVar:

NM_005359.6(SMAD4):c.749A>G (p.Gln250Arg)

Gene: SMAD4 (SMAD family member 4; plus strand). Cytogenetic location: 18q21.2.
Variant type: single nucleotide variant.
Coding change: c.749A>G on transcript NM_005359.6 (MANE Select); coding-DNA position 749, A replaced by G.
Protein change: p.Gln250Arg; replaces glutamine 250 with arginine.
Molecular consequence: missense variant.
Genome position (GRCh38, 1-based): chr18:51,058,206, A>G. VCF-style: chr18-51058206-A-G. GRCh37 (hg19) VCF-style: chr18-48584576-A-G.
Other names: short protein forms Q250R.
Identifiers: ClinVar variation 246220 (VCV000246220.6), dbSNP rs879254159, ClinGen allele CA10584600.

ClinVar aggregate classification (germline): Uncertain significance. Review status: criteria provided, multiple submitters, no conflicts (2 of 4 stars). 4 submissions from 4 submitters: Uncertain significance (4). Last evaluated 2025-08-24.

Conditions:
Juvenile polyposis syndrome (JPS). Identifiers: Orphanet 2929, MedGen C0345893, MONDO:0017380, OMIM 174900.
Familial thoracic aortic aneurysm and aortic dissection (TAAD). Also called: Thoracic aortic aneurysms and dissections. Identifiers: Orphanet 91387, MedGen C4707243, MONDO:0019625.
Hereditary cancer-predisposing syndrome. Also called: Neoplastic Syndromes, Hereditary; Tumor predisposition; Hereditary neoplastic syndrome; Hereditary Cancer Syndrome. Identifiers: Orphanet 140162, MedGen C0027672, MeSH D009386, MONDO:0015356.

Allele frequency attached by ClinVar (database versions not stated): gnomAD exomes below 0.00001.
gnomAD v4.1: 1 of 1,614,214 alleles (0.000062%); highest among the groups gnomAD compares: Non-Finnish European, 0.000085%; no homozygotes.

Submissions (4):

Color Diagnostics, LLC DBA Color Health
Classification: Uncertain significance for Hereditary cancer-predisposing syndrome. Last evaluated: 2025-08-24. Review status: criteria provided, single submitter. Criteria: ACMG Guidelines, 2015. Collection method: clinical testing. Allele origin: germline.
Comment: This missense variant replaces glutamine with arginine at codon 250 of the SMAD4 protein. Computational prediction suggests that this variant may not impact protein structure and function. To our knowledge, functional studies have not been reported for this variant. This variant has not been reported in individuals affected with SMAD4-related disorders in the literature. This variant has not been identified in the general population by the Genome Aggregation Database (gnomAD). The available evidence is insufficient to determine the role of this variant in disease conclusively. Therefore, this variant is classified as a Variant of Uncertain Significance.

Labcorp Genetics (formerly Invitae), Labcorp
Classification: Uncertain significance for Juvenile polyposis syndrome. Last evaluated: 2024-04-07. Review status: criteria provided, single submitter. Criteria: Invitae Variant Classification Sherloc (09022015). Collection method: clinical testing. Allele origin: germline.
Comment: This sequence change replaces glutamine, which is neutral and polar, with arginine, which is basic and polar, at codon 250 of the SMAD4 protein (p.Gln250Arg). This variant is not present in population databases (gnomAD no frequency). This variant has not been reported in the literature in individuals affected with SMAD4-related conditions. ClinVar contains an entry for this variant (Variation ID: 246220). Advanced modeling of protein sequence and biophysical properties (such as structural, functional, and spatial information, amino acid conservation, physicochemical variation, residue mobility, and thermodynamic stability) performed at Invitae indicates that this missense variant is not expected to disrupt SMAD4 protein function with a negative predictive value of 95%. In summary, the available evidence is currently insufficient to determine the role of this variant in disease. Therefore, it has been classified as a Variant of Uncertain Significance.

Ambry Genetics
Classification: Uncertain significance for Hereditary cancer-predisposing syndrome; Familial thoracic aortic aneurysm and aortic dissection. Last evaluated: 2023-12-17. Review status: criteria provided, single submitter. Criteria: Ambry Variant Classification Scheme 2023. Collection method: clinical testing. Allele origin: germline.
Comment: The p.Q250R variant (also known as c.749A>G), located in coding exon 5 of the SMAD4 gene, results from an A to G substitution at nucleotide position 749. The glutamine at codon 250 is replaced by arginine, an amino acid with highly similar properties. This amino acid position is conserved. In addition, the in silico prediction for this alteration is inconclusive. Since supporting evidence is limited at this time, the clinical significance of this alteration remains unclear.

GeneDx
Classification: Uncertain significance. Last evaluated: 2015-12-15. Review status: criteria provided, single submitter. Criteria: GeneDx Variant Classification (06012015). Collection method: clinical testing. Allele origin: germline. Affected: yes.
Comment: This variant is denoted SMAD4 c.749A>G at the cDNA level, p.Gln250Arg (Q250R) at the protein level, and results in the change of a Glutamine to an Arginine (CAG>CGG). This variant has not, to our knowledge, been published in the literature as pathogenic or benign. SMAD4 Gln250Arg was not observed in approximately 6,500 individuals of European and African American ancestry in the NHLBI Exome Sequencing Project, suggesting it is not a common benign variant in these populations. Since Glutamine and Arginine differ in some properties, this is considered a semi-conservative amino acid substitution. SMAD4 Gln250Arg occurs at a position that is conserved across species and is not located in a known functional domain (Uniprot). Protein-based in silico analyses are inconsistent regarding the effect this variant may have on protein structure and function. Further, in silico splicing analyses are uninformative thus an impact on splicing cannot be ruled out. Based on currently available evidence, it is unclear whether SMAD4 Gln250Arg is a pathogenic or benign variant. We consider it to be a variant of uncertain significance.